The following is an entry in ClinVar:

ClinVar aggregate classification (germline): Pathogenic (1 of 4 stars; one submission).

Conditions:
DICER1-related tumor predisposition. Also called: DICER1 syndrome; DICER1-related pleuropulmonary blastoma cancer predisposition syndrome. Identifiers: Orphanet 284343, MedGen C3839822, MONDO:0100216.

Submission:

Labcorp Genetics (formerly Invitae), Labcorp
Classification: Pathogenic for DICER1-related tumor predisposition. Last evaluated: 2021-08-09. Review status: criteria provided, single submitter. Criteria: Invitae Variant Classification Sherloc (09022015). Collection method: clinical testing. Allele origin: germline.
Comment: For these reasons, this variant has been classified as Pathogenic. This variant has not been reported in the literature in individuals affected with DICER1-related conditions. This variant is not present in population databases (ExAC no frequency). This sequence change creates a premature translational stop signal (p.Arg944Glnfs*7) in the DICER1 gene. It is expected to result in an absent or disrupted protein product. Loss-of-function variants in DICER1 are known to be pathogenic (PMID: 19556464, 21266384).

Literature cited by the submitters: PubMed 19556464; PubMed 21266384.

NM_177438.3(DICER1):c.2830_2831insAACGGGTC (p.Arg944fs)

Gene: DICER1 (dicer 1, ribonuclease III; minus strand). Cytogenetic location: 14q32.13.
Variant type: Insertion.
Coding change: c.2830_2831insAACGGGTC on transcript NM_177438.3 (MANE Select); coding-DNA positions 2830 to 2831, AACGGGTC inserted.
Protein change: p.Arg944fs; shifts the reading frame from arginine 944.
Molecular consequence: frameshift variant.
Genome position: GRCh38 VCF-style: chr14-95106197-C-CGACCCGTT. GRCh37 (hg19) VCF-style: chr14-95572534-C-CGACCCGTT.
Other names: c.2830_2831insAACGGGTC, p.Arg944fs (NM_001195573.1, NM_001271282.3, NM_001291628.2 and 1 more transcripts); short protein forms R944fs.
Identifiers: ClinVar variation 1455415 (VCV001455415.7), dbSNP rs2140000781, ClinGen allele CA2573150462.
Genomic context (GRCh38, chr14:95,106,197, plus strand): 5'-TCAGGGGAAGGAAATTTACTGAGTGGGGTAAGATCAGTGTACACATCAGCTACATAAAAT[C>CGACCCGTT]GATGAGGCTGATCAAAATTGCGATATCTAAAAAAGAAAAACAAAAAAACAATCAGTTGCT-3'